The following is an entry in ClinVar:

ClinVar aggregate classification (germline): Likely pathogenic (1 of 4 stars; one submission).

Conditions:
Palmoplantar keratoderma, Nagashima type. Identifiers: Orphanet 140966, MedGen C3810072, MONDO:0014272, OMIM 615598.

Submission:

First Genomix Gene Laboratory, Genetic Diagnostics Department
Classification: Likely pathogenic for Palmoplantar keratoderma, Nagashima type. Last evaluated: 2025-08-20. Review status: criteria provided, single submitter. Criteria: ACMG Guidelines, 2015. Collection method: clinical testing. Allele origin: germline. Inheritance: Autosomal recessive inheritance. Affected: no. Observed: 1 variant allele.

NM_003784.4(SERPINB7):c.443dup (p.Asn148fs)

Gene: SERPINB7 (serpin family B member 7; plus strand). Cytogenetic location: 18q21.33.
Variant type: Duplication.
Coding change: c.443dup on transcript NM_003784.4 (MANE Select); coding-DNA position 443, one base duplicated (A; older notation c.443dupA).
Protein change: p.Asn148fs; shifts the reading frame from asparagine 148.
Molecular consequence: frameshift variant.
Genome position (GRCh38, 1-based): chr18:63,796,372, A duplicated; the last of 4 consecutive A bases (chr18:63,796,369-63,796,372); duplicating any one gives the same sequence. VCF-style (leftmost placement, unchanged base first): chr18-63796368-G-GA. GRCh37 (hg19) VCF-style: chr18-61463602-G-GA.
Other names: c.443dup, p.Asn148fs (NM_001040147.3, NM_001261830.2); c.392dup, p.Asn131fs (NM_001261831.2); c.443dupA (NM_003784.4); short protein forms N131fs, N148fs.
Identifiers: ClinVar variation 4850228 (VCV004850228.1).